The following is an entry in ClinVar:

NM_003896.4(ST3GAL5):c.356A>G (p.Glu119Gly)

Gene: ST3GAL5 (ST3 beta-galactoside alpha-2,3-sialyltransferase 5; minus strand). Cytogenetic location: 2p11.2.
Variant type: single nucleotide variant.
Coding change: c.356A>G on transcript NM_003896.4 (MANE Select); coding-DNA position 356, A replaced by G.
Protein change: p.Glu119Gly; replaces glutamic acid 119 with glycine.
Molecular consequence: missense variant. On other transcripts: 5 prime UTR variant (7).
Genome position (GRCh38, 1-based): chr2:85,848,167, T>C on the plus strand (A>G on the coding strand, the complement: ST3GAL5 is on the minus strand). VCF-style: chr2-85848167-T-C. GRCh37 (hg19) VCF-style: chr2-86075290-T-C.
Other names: c.356A>G (NM_003896.3); c.-29A>G (NM_001354248.1, NM_001354223.2, NM_001354224.2 and 3 more transcripts); c.356A>G, p.Glu119Gly (NM_001363847.1); c.287A>G, p.Glu96Gly (NM_001042437.2); c.272A>G, p.Glu91Gly (NM_001354227.2, NM_001354229.2, NM_001354238.1); c.-549A>G (NM_001354247.1); short protein forms E119G, E91G, E96G.
Identifiers: ClinVar variation 1017002 (VCV001017002.7), dbSNP rs368983131, ClinGen allele CA1745057.
Genomic context (GRCh38, chr2:85,848,167, plus strand): 5'-ACGCTATACCTGTGCTCAAATAACAGCGCCATTGATGTCTTGGCAAACTTGGGACGACAT[T>C]CCTTCTGCAAGACTTGCTGAGCATATTTCTGAGCTCTCTGGAATGAAATCACACCAATCT-3'
Protein context (NP_003887.3, residues 109-129): QKYAQQVLQK[Glu119Gly]CRPKFAKTSM

ClinVar aggregate classification (germline): Uncertain significance. Review status: criteria provided, multiple submitters, no conflicts (2 of 4 stars). 2 submissions from 2 submitters: Uncertain significance (2). Last evaluated 2026-06-03.

Conditions:
Inborn genetic diseases. Identifiers: MedGen C0950123, MeSH D030342.
GM3 synthase deficiency (SPDRS). Also called: AMISH INFANTILE EPILEPSY SYNDROME; SALT AND PEPPER MENTAL RETARDATION SYNDROME; SALT AND PEPPER DEVELOPMENTAL REGRESSION SYNDROME. Identifiers: Orphanet 171714, Orphanet 370933, MedGen C1836824, MONDO:0018274, OMIM 609056.

Allele frequency attached by ClinVar (database versions not stated): gnomAD exomes 0.00002 and below 0.00001; ExAC 0.00003; TOPMed 0.00007; gnomAD 0.00009 and 0.00007; ESP Exome Variant Server 0.00008.
gnomAD v4.1: 16 of 1,614,112 alleles (0.00099%); highest among the groups gnomAD compares: African/African-American, 0.021%; no homozygotes.

Submissions (2):

Ambry Genetics
Classification: Uncertain significance for Inborn genetic diseases. Last evaluated: 2026-06-03. Review status: criteria provided, single submitter. Criteria: Ambry Variant Classification Scheme 2023. Collection method: clinical testing. Allele origin: germline.
Comment: The c.356A>G (p.E119G) alteration is located in exon 4 (coding exon 4) of the ST3GAL5 gene. This alteration results from a A to G substitution at nucleotide position 356, causing the glutamic acid (E) at amino acid position 119 to be replaced by a glycine (G). Based on data from gnomAD, the G allele has an overall frequency of 0.002% (6/282496) total alleles studied. The highest observed frequency was 0.024% (6/24958) of African alleles. Based on insufficient or conflicting evidence, the clinical significance of this alteration remains unclear.

Labcorp Genetics (formerly Invitae), Labcorp
Classification: Uncertain significance for GM3 synthase deficiency. Last evaluated: 2022-09-07. Review status: criteria provided, single submitter. Criteria: Invitae Variant Classification Sherloc (09022015). Collection method: clinical testing. Allele origin: germline.
Comment: This sequence change replaces glutamic acid, which is acidic and polar, with glycine, which is neutral and non-polar, at codon 119 of the ST3GAL5 protein (p.Glu119Gly). This variant is present in population databases (rs368983131, gnomAD 0.02%). This variant has not been reported in the literature in individuals affected with ST3GAL5-related conditions. ClinVar contains an entry for this variant (Variation ID: 1017002). Algorithms developed to predict the effect of missense changes on protein structure and function are either unavailable or do not agree on the potential impact of this missense change (SIFT: "Deleterious"; PolyPhen-2: "Benign"; Align-GVGD: "Class C35"). In summary, the available evidence is currently insufficient to determine the role of this variant in disease. Therefore, it has been classified as a Variant of Uncertain Significance.